The following is an entry in ClinVar:

NM_001035.3(RYR2):c.14091-222A>G

Gene: RYR2 (ryanodine receptor 2; plus strand). Cytogenetic location: 1q43.
Variant type: single nucleotide variant.
Coding change: c.14091-222A>G on transcript NM_001035.3 (MANE Select); 222 bases into the intron before coding-DNA position 14091, A replaced by G.
Molecular consequence: intron variant.
Genome position (GRCh38, 1-based): chr1:237,801,634, A>G. VCF-style: chr1-237801634-A-G. GRCh37 (hg19) VCF-style: chr1-237964934-A-G.
Identifiers: ClinVar variation 669252 (VCV000669252.2), dbSNP rs7543732, ClinGen allele CA10757360.

ClinVar aggregate classification (germline): Benign. Review status: criteria provided, multiple submitters, no conflicts (2 of 4 stars). 2 submissions from 2 submitters: Benign (2). Last evaluated 2018-06-15.

Allele frequency attached by ClinVar (database versions not stated): 1000 Genomes Project 0.53774; 1000 Genomes Project 30x 0.54185; gnomAD 0.58664 and 0.59205; TOPMed 0.58923.
gnomAD v4.1: 89,104 of 151,858 alleles (59%); highest among the groups gnomAD compares: Admixed American, 63%; 26,437 homozygotes.

Submissions (2):

GeneDx
Classification: Benign. Last evaluated: 2018-06-15. Review status: criteria provided, single submitter. Criteria: GeneDx Variant Classification (06012015). Collection method: clinical testing. Allele origin: germline. Affected: yes.
Comment: This variant is considered likely benign or benign based on one or more of the following criteria: it is a conservative change, it occurs at a poorly conserved position in the protein, it is predicted to be benign by multiple in silico algorithms, and/or has population frequency not consistent with disease.

Breakthrough Genomics
Classification: Benign. Review status: criteria provided, single submitter. Criteria: ACMG Guidelines, 2015. Collection method: not provided. Allele origin: germline. Inheritance: Autosomal dominant inheritance. Affected: yes.